The following is an entry in ClinVar:

NM_004171.4(SLC1A2):c.932G>T (p.Arg311Met)

Gene: SLC1A2 (solute carrier family 1 member 2; minus strand). Cytogenetic location: 11p13.
Variant type: single nucleotide variant.
Coding change: c.932G>T on transcript NM_004171.4 (MANE Select); coding-DNA position 932, G replaced by T.
Protein change: p.Arg311Met; replaces arginine 311 with methionine.
Molecular consequence: missense variant.
Genome position (GRCh38, 1-based): chr11:35,292,446, C>A on the plus strand (G>T on the coding strand, the complement: SLC1A2 is on the minus strand). VCF-style: chr11-35292446-C-A. GRCh37 (hg19) VCF-style: chr11-35313993-C-A.
Other names: c.905G>T, p.Arg302Met (NM_001195728.3, NM_001252652.2); short protein forms R302M, R311M.
Identifiers: ClinVar variation 1804184 (VCV001804184.6), dbSNP rs1234884310, ClinGen allele CA380124998.

ClinVar aggregate classification (germline): Uncertain significance. Review status: criteria provided, multiple submitters, no conflicts (2 of 4 stars). 2 submissions from 2 submitters: Uncertain significance (2). Last evaluated 2024-02-23.

Allele frequency attached by ClinVar (database versions not stated): gnomAD exomes 0.00001.
gnomAD v4.1: 17 of 1,613,964 alleles (0.0011%); highest among the groups gnomAD compares: Non-Finnish European, 0.0014%; no homozygotes.

Submissions (2):

Labcorp Genetics (formerly Invitae), Labcorp
Classification: Uncertain significance. Last evaluated: 2024-02-23. Review status: criteria provided, single submitter. Criteria: Invitae Variant Classification Sherloc (09022015). Collection method: clinical testing. Allele origin: germline.
Comment: This sequence change replaces arginine, which is basic and polar, with methionine, which is neutral and non-polar, at codon 311 of the SLC1A2 protein (p.Arg311Met). This variant is not present in population databases (gnomAD no frequency). This variant has not been reported in the literature in individuals affected with SLC1A2-related conditions. ClinVar contains an entry for this variant (Variation ID: 1804184). Advanced modeling of protein sequence and biophysical properties (such as structural, functional, and spatial information, amino acid conservation, physicochemical variation, residue mobility, and thermodynamic stability) performed at Invitae indicates that this missense variant is not expected to disrupt SLC1A2 protein function with a negative predictive value of 80%. In summary, the available evidence is currently insufficient to determine the role of this variant in disease. Therefore, it has been classified as a Variant of Uncertain Significance.

GeneDx
Classification: Uncertain significance. Last evaluated: 2022-06-17. Review status: criteria provided, single submitter. Criteria: GeneDx Variant Classification Process June 2021. Collection method: clinical testing. Allele origin: germline. Affected: yes.
Comment: Not observed at significant frequency in large population cohorts (gnomAD); In silico analysis supports that this missense variant has a deleterious effect on protein structure/function; Has not been previously published as pathogenic or benign to our knowledge